The following is an entry in ClinVar:

NM_001130987.2(DYSF):c.851C>T (p.Thr284Met)

Gene: DYSF (dysferlin; plus strand). Cytogenetic location: 2p13.2.
Variant type: single nucleotide variant.
Coding change: c.851C>T on transcript NM_001130987.2 (MANE Select); coding-DNA position 851, C replaced by T.
Protein change: p.Thr284Met; replaces threonine 284 with methionine.
Molecular consequence: missense variant.
Genome position (GRCh38, 1-based): chr2:71,515,714, C>T. VCF-style: chr2-71515714-C-T. GRCh37 (hg19) VCF-style: chr2-71742844-C-T.
Other names: NM_001130987.2(DYSF):c.851C>T; p.Thr284Met; c.758C>T, p.Thr253Met (NM_001130455.2, NM_001130983.2, NM_001130984.2 and 1 more transcripts); c.755C>T, p.Thr252Met (NM_001130976.2, NM_001130977.2, NM_001130978.2 and 1 more transcripts); c.848C>T, p.Thr283Met (NM_001130979.2, NM_001130980.2, NM_001130981.2); c.851C>T, p.Thr284Met (NM_001130982.2, NM_001130985.2); short protein forms T252M, T284M, T253M, T283M.
Identifiers: ClinVar variation 94358 (VCV000094358.55), dbSNP rs398123802, ClinGen allele CA222210.

ClinVar aggregate classification (germline): Pathogenic. Review status: reviewed by expert panel (3 of 4 stars). 10 submissions from 10 submitters: Pathogenic (1). 9 of the submissions do not count toward it. Last evaluated 2025-06-17.

Conditions:
Autosomal recessive limb-girdle muscular dystrophy. Identifiers: Orphanet 102015, MedGen C2931907, MONDO:0015152.
Neuromuscular disease caused by qualitative or quantitative defects of dysferlin. Also called: Qualitative or quantitative defects of dysferlin; Dysferlinopathy. Identifiers: Orphanet 207073, MedGen C2931687, MONDO:0016145.
Autosomal recessive limb-girdle muscular dystrophy type 2B (LGMDR2). Also called: MUSCULAR DYSTROPHY, LIMB-GIRDLE, TYPE 3; Limb-Girdle Muscular Dystrophy Type 2B (LGMD2B); MUSCULAR DYSTROPHY, LIMB-GIRDLE, AUTOSOMAL RECESSIVE 2; Limb-girdle muscular dystrophy, type 2B. Identifiers: Orphanet 268, MedGen C1850889, MONDO:0009676, OMIM 253601.
Miyoshi muscular dystrophy 1 (MMD1). Identifiers: Orphanet 45448, MedGen C4551973, MONDO:0024545, OMIM 254130.
Abnormality of the musculature. Identifiers: MedGen C4021745, HP:0003011.

Allele frequency attached by ClinVar (database versions not stated): gnomAD exomes 0.00001.

Submissions (10):

ClinGen Limb Girdle Muscular Dystrophy Variant Curation Expert Panel, ClinGen
Classification: Pathogenic for Autosomal recessive limb-girdle muscular dystrophy. Last evaluated: 2025-06-17. Review status: reviewed by expert panel. Criteria: ClinGen LGMD VCEP ACMG Specifications DYSF V1.0.0. Collection method: curation. Allele origin: germline. Inheritance: Autosomal recessive inheritance.
Comment: The NM_003494.4: c.755C>T variant in DYSF, which is also known as NM_001130987.2: c.851C>T p.(Thr284Met), is a missense variant predicted to cause substitution of threonine by methionine at amino acid 252, p.(Thr252Met). This variant has been observed in at least 12 individuals with features consistent with LGMD (PMID: 30564623; 36575883; 34559919; 33927379; 27647186; 21522182; LOVD DYSF_000768), including in a homozygous state in at least two patients without reported familial consanguinity (1.0 pt; PMID: 36575883; 21522182) and in unknown phase with a pathogenic variant in at least two patients (NM_003494.4: c.3790_3797_del p.(Ser1264ValfsTer9), 0.5 pts, PMID: 34559919, LOVD Individual #00375911; NM_003494.4: c.5979dup p.(Glu1994ArgfsTer3), 0.5 pts, PMID: 30564623, LOVD Individual #00221967) (PM3_Strong). At least one patient with this variant and a second presumed diagnostic DYSF variant had a clinical diagnosis of LGMD/Miyoshi myopathy and significantly reduced dysferlin protein expression in skeletal muscle, which is highly specific for DYSF-associated LGMD (PP4_Strong; PMID: 21522182). The highest population frequency for this variant in gnomAD v4.1.0 is 0.00004458 (2/44866 East Asian chromosomes), which is lower than the ClinGen LGMD VCEP threshold (<0.0001) for PM2_Supporting and therefore meets this criterion (PM2_Supporting). Immunofluorescence and 2-A assays of dysferlin membrane localization in HEK293T cells showed the Thr252Met protein did not reach the cell membrane, indicating an impact on protein function (PMID: 35028538) (PS3). In addition, the computational predictor REVEL gives a score of 0.926, which is above the LGMD VCEP threshold of 0.70, evidence that correlates with impact to DYSF function (PP3). In summary, this variant meets the criteria to be classified as Pathogenic for autosomal recessive limb girdle muscular dystrophy based on the ACMG/AMP criteria applied, as specified by the ClinGen LGMD VCEP (LGMD VCEP specifications version 1.0.0; 06/17/2025): PM3_Strong, PP4_Strong, PM2_Supporting, PS3_Moderate, PP3.

Labcorp Genetics (formerly Invitae), Labcorp
Classification: Pathogenic for Neuromuscular disease caused by qualitative or quantitative defects of dysferlin. Last evaluated: 2025-06-04. Review status: criteria provided, single submitter. Criteria: Invitae Variant Classification Sherloc (09022015). Collection method: clinical testing. Allele origin: germline. Not counted in ClinVar's aggregate classification.
Comment: This sequence change replaces threonine, which is neutral and polar, with methionine, which is neutral and non-polar, at codon 252 of the DYSF protein (p.Thr252Met). This variant is present in population databases (rs398123802, gnomAD 0.01%). This missense change has been observed in individual(s) with limb-girdle muscular dystrophy (PMID: 21522182, 24488599, 26671124, 27647186, 30564623). ClinVar contains an entry for this variant (Variation ID: 94358). Invitae Evidence Modeling of protein sequence and biophysical properties (such as structural, functional, and spatial information, amino acid conservation, physicochemical variation, residue mobility, and thermodynamic stability) indicates that this missense variant is expected to disrupt DYSF protein function with a positive predictive value of 95%. For these reasons, this variant has been classified as Pathogenic.

Natera, Inc.
Classification: Pathogenic for Limb-girdle muscular dystrophy type 2B. Last evaluated: 2024-08-29. Review status: criteria provided, single submitter. Criteria: Natera Variant Classification Schema (03/2026). Collection method: clinical testing. Allele origin: germline. Not counted in ClinVar's aggregate classification.
Comment: The c.755C>T variant in DYSF is a missense variant predicted to cause substitution of threonine to methionine at amino acid 252. This variant is rare in the general population with a frequency below the threshold expected for the associated phenotype(s). This variant has been observed in one or more individuals affected with the associated recessive disease, as either homozygous or compound heterozygous with a second variant (PMID: 26671124, 21522182, 24488599, 27647186, 25987458, 27602406, 35135626). Additionally, this variant has been observed to segregate in affected family members (PMID: 26671124). Computational prediction algorithms indicate this variant is likely to affect gene or protein function. Given the available evidence, this variant is classified as Pathogenic.

GeneDx
Classification: Pathogenic. Last evaluated: 2024-05-10. Review status: criteria provided, single submitter. Criteria: GeneDx Variant Classification Process June 2021. Collection method: clinical testing. Allele origin: germline. Affected: yes. Not counted in ClinVar's aggregate classification.
Comment: Not observed at a significant frequency in large population cohorts (gnomAD); In silico analysis supports that this missense variant has a deleterious effect on protein structure/function; This variant is associated with the following publications: (PMID: 34440373, 30564623, 21522182, 24488599, 27647186, 29792937, 26671124, 31822577, 27602406, 25987458, 33610434, 34559919)

Baylor Genetics
Classification: Pathogenic for Miyoshi muscular dystrophy 1. Last evaluated: 2023-12-14. Review status: criteria provided, single submitter. Criteria: ACMG Guidelines, 2015. Collection method: clinical testing. Allele origin: unknown. Not counted in ClinVar's aggregate classification.

Women's Health and Genetics/Laboratory Corporation of America, LabCorp
Classification: Pathogenic for Autosomal recessive limb-girdle muscular dystrophy. Last evaluated: 2023-06-12. Review status: criteria provided, single submitter. Criteria: LabCorp Variant Classification Summary - May 2015. Collection method: clinical testing. Allele origin: germline. Not counted in ClinVar's aggregate classification.
Comment: Variant summary: DYSF c.755C>T (p.Thr252Met) results in a non-conservative amino acid change located in the C2 domain (IPR000008) of the encoded protein sequence. Five of five in-silico tools predict a damaging effect of the variant on protein function. The variant allele was found at a frequency of 1.2e-05 in 251452 control chromosomes. c.755C>T has been reported in the literature in multiple homozygous and compound heterozygous individuals affected with dyferlinopathy or Limb-Girdle Muscular Dystrophy, Autosomal Recessive (examples: Cacciottolo_2011, Charnay_2021, Alharbi_2022). These data indicate that the variant is very likely to be associated with disease. To our knowledge, no experimental evidence demonstrating an impact on protein function has been reported. The following publications have been ascertained in the context of this evaluation (PMID: 35273475, 33927379, 21522182). Six clinical diagnostic laboratories have submitted clinical-significance assessments for this variant to ClinVar after 2014, classifying the variant as pathogenic (n=4) or likely pathogenic (n=2). Based on the evidence outlined above, the variant was classified as pathogenic.

Kariminejad - Najmabadi Pathology & Genetics Center
Classification: Pathogenic for Abnormality of the musculature. Last evaluated: 2021-07-10. Review status: criteria provided, single submitter. Criteria: ACMG Guidelines, 2015. Collection method: clinical testing. Allele origin: germline. Affected: yes. Not counted in ClinVar's aggregate classification.

Revvity Omics, Revvity
Classification: Pathogenic. Last evaluated: 2019-07-26. Review status: criteria provided, single submitter. Criteria: ACMG Guidelines, 2015. Collection method: clinical testing. Allele origin: germline. Not counted in ClinVar's aggregate classification.

Eurofins Ntd Llc (ga)
Classification: Likely pathogenic. Last evaluated: 2017-04-12. Review status: criteria provided, single submitter. Criteria: EGL Classification Definitions. Collection method: clinical testing. Allele origin: germline. Observed: 6 variant alleles, 6 heterozygotes. Not counted in ClinVar's aggregate classification.

Counsyl
Classification: Likely pathogenic for Autosomal recessive limb-girdle muscular dystrophy type 2B. Last evaluated: 2017-04-27. Review status: no assertion criteria provided. Collection method: clinical testing. Allele origin: unknown. Not counted in ClinVar's aggregate classification.

Literature cited by the submitters: PubMed 35028538 (cited by ClinGen Limb Girdle Muscular Dystrophy Variant Curation Expert Panel, ClinGen); PubMed 21522182 (cited by 4 submitters); PubMed 24488599 (cited by 3 submitters); PubMed 26671124 (cited by 3 submitters); PubMed 27647186 (cited by 3 submitters); PubMed 30564623 (cited by Labcorp Genetics (formerly Invitae), Labcorp); PubMed 25987458 (cited by Natera, Inc. and Counsyl); PubMed 27602406 (cited by Natera, Inc. and Counsyl); PubMed 35135626 (cited by Natera, Inc.); PubMed 33927379 (cited by Women's Health and Genetics/Laboratory Corporation of America, LabCorp); PubMed 35273475 (cited by Women's Health and Genetics/Laboratory Corporation of America, LabCorp).